The following is an entry in ClinVar:

NM_020745.4(AARS2):c.2598+11G>A

Gene: AARS2 (alanyl-tRNA synthetase 2, mitochondrial; minus strand). Cytogenetic location: 6p21.1.
Variant type: single nucleotide variant.
Coding change: c.2598+11G>A on transcript NM_020745.4 (MANE Select); 11 bases into the intron after coding-DNA position 2598, G replaced by A.
Molecular consequence: intron variant.
Genome position (GRCh38, 1-based): chr6:44,302,049, C>T on the plus strand (G>A on the coding strand, the complement: AARS2 is on the minus strand). VCF-style: chr6-44302049-C-T. GRCh37 (hg19) VCF-style: chr6-44269786-C-T.
Identifiers: ClinVar variation 389042 (VCV000389042.12), dbSNP rs376223052, ClinGen allele CA3833922.

ClinVar aggregate classification (germline): Conflicting classifications of pathogenicity. Review status: criteria provided, conflicting classifications (1 of 4 stars). 3 submissions from 3 submitters: Uncertain significance (1); Benign (1); Likely benign (1). Last evaluated 2026-01-11.

Conditions:
Combined oxidative phosphorylation defect type 8. Also called: CARDIOMYOPATHY, HYPERTROPHIC MITOCHONDRIAL, FATAL INFANTILE. Identifiers: Orphanet 319504, MedGen C4518839, MONDO:0013570, OMIM 614096.

Allele frequency attached by ClinVar (database versions not stated): gnomAD 0.00069 and 0.00073; 1000 Genomes Project 0.00080; TOPMed 0.00082; gnomAD exomes 0.00007 and 0.00016; ExAC 0.00021; ESP Exome Variant Server 0.00069.

Submissions (3):

Labcorp Genetics (formerly Invitae), Labcorp
Classification: Benign. Last evaluated: 2026-01-11. Review status: criteria provided, single submitter. Criteria: Invitae Variant Classification Sherloc (09022015). Collection method: clinical testing. Allele origin: germline.

Illumina Laboratory Services, Illumina
Classification: Uncertain significance for Combined oxidative phosphorylation defect type 8. Last evaluated: 2018-01-13. Review status: criteria provided, single submitter. Criteria: ICSL Variant Classification Criteria 13 December 2019. Collection method: clinical testing. Allele origin: germline.

GeneDx
Classification: Likely benign. Last evaluated: 2016-09-16. Review status: criteria provided, single submitter. Criteria: GeneDx Variant Classification (06012015). Collection method: clinical testing. Allele origin: germline. Affected: yes.
Comment: This variant is considered likely benign or benign based on one or more of the following criteria: it is a conservative change, it occurs at a poorly conserved position in the protein, it is predicted to be benign by multiple in silico algorithms, and/or has population frequency not consistent with disease.